The following is an entry in ClinVar:

NM_016023.5(OTUD6B):c.677G>T (p.Gly226Val)

Gene: OTUD6B (OTU deubiquitinase 6B; plus strand). Cytogenetic location: 8q21.3.
Variant type: single nucleotide variant.
Coding change: c.677G>T on transcript NM_016023.5 (MANE Select); coding-DNA position 677, G replaced by T.
Protein change: p.Gly226Val; replaces glycine 226 with valine.
Molecular consequence: missense variant.
Genome position (GRCh38, 1-based): chr8:91,080,717, G>T. VCF-style: chr8-91080717-G-T. GRCh37 (hg19) VCF-style: chr8-92092945-G-T.
Other names: c.374G>T, p.Gly125Val (NM_001286745.3); short protein forms G125V, G226V.
Identifiers: ClinVar variation 1339067 (VCV001339067.2), dbSNP rs2130440842, ClinGen allele CA371662036.

ClinVar aggregate classification (germline): Uncertain significance (1 of 4 stars; one submission).

Conditions:
Intellectual developmental disorder with dysmorphic facies, seizures, and distal limb anomalies (IDDFSDA). Identifiers: Orphanet 505237, MedGen C4479520, MONDO:0044319, OMIM 617452.

Submission:

Neuberg Centre For Genomic Medicine, NCGM
Classification: Uncertain significance for Intellectual developmental disorder with dysmorphic facies, seizures, and distal limb anomalies. Review status: criteria provided, single submitter. Criteria: ACMG Guidelines, 2015. Collection method: clinical testing. Allele origin: germline. Affected: yes.
Comment: The missense variant p.G226V in OTUD6B (NM_016023.5) has not been reported previously as a pathogenic variant nor as a benign variant, to our knowledge. The p.G226V variant is novel (not in any individuals) in gnomAD Exomes and is novel (not in any individuals) in 1000 Genomes. The p.G226V missense variant is predicted to be damaging by both SIFT and PolyPhen2. The glycine residue at codon 226 of OTUD6B is conserved in all mammalian species. The nucleotide c.677 in OTUD6B is predicted conserved by GERP++ and PhyloP across 100 vertebrates. For these reasons, this variant has been classified as Uncertain Significance.